The following is an entry in ClinVar:

ClinVar aggregate classification (germline): Uncertain significance. Review status: criteria provided, multiple submitters, no conflicts (2 of 4 stars). 2 submissions from 2 submitters: Uncertain significance (2). Last evaluated 2024-04-12.

Conditions:
Van Maldergem syndrome 2 (VMLDS2). Identifiers: Orphanet 314679, MedGen C3809875, MONDO:0014242, OMIM 615546.
Hennekam lymphangiectasia-lymphedema syndrome 2 (HKLLS2). Identifiers: Orphanet 2136, MedGen C4014939, MONDO:0014454, OMIM 616006.

Allele frequency attached by ClinVar (database versions not stated): TOPMed below 0.00001; ExAC 0.00002; gnomAD exomes 0.00002.

Submissions (2):

Fulgent Genetics
Classification: Uncertain significance for Van Maldergem syndrome 2; Hennekam lymphangiectasia-lymphedema syndrome 2. Last evaluated: 2024-04-12. Review status: criteria provided, single submitter. Criteria: ACMG Guidelines, 2015. Collection method: clinical testing. Allele origin: germline.

Labcorp Genetics (formerly Invitae), Labcorp
Classification: Uncertain significance. Last evaluated: 2024-02-23. Review status: criteria provided, single submitter. Criteria: Invitae Variant Classification Sherloc (09022015). Collection method: clinical testing. Allele origin: germline.
Comment: This sequence change replaces asparagine, which is neutral and polar, with serine, which is neutral and polar, at codon 3036 of the FAT4 protein (p.Asn3036Ser). This variant is present in population databases (rs748679291, gnomAD 0.004%). This variant has not been reported in the literature in individuals affected with FAT4-related conditions. ClinVar contains an entry for this variant (Variation ID: 1475521). Advanced modeling of protein sequence and biophysical properties (such as structural, functional, and spatial information, amino acid conservation, physicochemical variation, residue mobility, and thermodynamic stability) performed at Invitae indicates that this missense variant is not expected to disrupt FAT4 protein function with a negative predictive value of 80%. In summary, the available evidence is currently insufficient to determine the role of this variant in disease. Therefore, it has been classified as a Variant of Uncertain Significance.

NM_001291303.3(FAT4):c.9113A>G (p.Asn3038Ser)

Gene: FAT4 (FAT atypical cadherin 4; plus strand). Cytogenetic location: 4q28.1.
Variant type: single nucleotide variant.
Coding change: c.9113A>G on transcript NM_001291303.3 (MANE Select); coding-DNA position 9113, A replaced by G.
Protein change: p.Asn3038Ser; replaces asparagine 3038 with serine.
Molecular consequence: missense variant.
Genome position (GRCh38, 1-based): chr4:125,450,123, A>G. VCF-style: chr4-125450123-A-G. GRCh37 (hg19) VCF-style: chr4-126371278-A-G.
Other names: c.9113A>G, p.Asn3038Ser (NM_001291285.3); c.9107A>G, p.Asn3036Ser (NM_024582.6); c.9107A>G (NM_024582.5); short protein forms N3038S, N3036S.
Identifiers: ClinVar variation 1475521 (VCV001475521.8), dbSNP rs748679291, ClinGen allele CA3073470.
Genomic context (GRCh38, chr4:125,450,123, plus strand): 5'-ATTCAGAAGTGGAGTATTTCATTTCTAATGATAACCATTTAGGAAAATTTAAGTTGGACA[A>G]TGATACGGGGTGGATTTCAGTAGCATCCTCCCTGATTTCTGACTTGAACCAAAACTTTTT-3'
Protein context (NP_001278232.1, residues 3028-3048): DNHLGKFKLD[Asn3038Ser]DTGWISVASS